The following is an entry in ClinVar:

ClinVar aggregate classification (germline): Uncertain significance (1 of 4 stars; one submission).

Conditions:
Brody myopathy. Also called: BRODY DISEASE. Identifiers: Orphanet 53347, MedGen C1832918, MONDO:0010977, OMIM 601003.

Allele frequency attached by ClinVar (database versions not stated): gnomAD exomes below 0.00001; TOPMed below 0.00001; gnomAD 0.00001.
gnomAD v4.1: 4 of 1,613,928 alleles (0.00025%); highest among the groups gnomAD compares: Non-Finnish European, 0.00034%; no homozygotes.

Submission:

Labcorp Genetics (formerly Invitae), Labcorp
Classification: Uncertain significance for Brody myopathy. Last evaluated: 2023-04-23. Review status: criteria provided, single submitter. Criteria: Invitae Variant Classification Sherloc (09022015). Collection method: clinical testing. Allele origin: germline.
Comment: In summary, the available evidence is currently insufficient to determine the role of this variant in disease. Therefore, it has been classified as a Variant of Uncertain Significance. Variants that disrupt the consensus splice site are a relatively common cause of aberrant splicing (PMID: 17576681, 9536098). Algorithms developed to predict the effect of sequence changes on RNA splicing suggest that this variant may disrupt the consensus splice site. This variant has not been reported in the literature in individuals affected with ATP2A1-related conditions. This variant is not present in population databases (gnomAD no frequency). This sequence change falls in intron 3 of the ATP2A1 gene. It does not directly change the encoded amino acid sequence of the ATP2A1 protein. It affects a nucleotide within the consensus splice site.

Literature cited by the submitters: PubMed 17576681; PubMed 9536098.

NM_004320.6(ATP2A1):c.219+5G>A

Genes: ATP2A1-AS1 (ATP2A1 antisense RNA 1; minus strand), ATP2A1 (ATPase sarcoplasmic/endoplasmic reticulum Ca2+ transporting 1; plus strand). Cytogenetic location: 16p11.2.
Variant type: single nucleotide variant.
Coding change: c.219+5G>A on transcript NM_004320.6 (MANE Select); 5 bases into the intron after coding-DNA position 219, G replaced by A.
Molecular consequence: intron variant. On other transcripts: non-coding transcript variant (4).
Genome position (GRCh38, 1-based): chr16:28,879,588, G>A. VCF-style: chr16-28879588-G-A. GRCh37 (hg19) VCF-style: chr16-28890909-G-A.
Other names: c.219+5G>A (NM_173201.5).
Identifiers: ClinVar variation 3013289 (VCV003013289.3), dbSNP rs1179596177, ClinGen allele CA494491430.